The following is an entry in ClinVar:

NM_000051.4(ATM):c.6523dup (p.Arg2175fs)

Genes: C11orf65 (chromosome 11 open reading frame 65; minus strand), ATM (ATM serine/threonine kinase; plus strand). Cytogenetic location: 11q22.3.
Variant type: Duplication.
Coding change: c.6523dup on transcript NM_000051.4 (MANE Select); coding-DNA position 6523, one base duplicated (A; older notation c.6523dupA).
Protein change: p.Arg2175fs; shifts the reading frame from arginine 2175.
Molecular consequence: frameshift variant. On other transcripts: intron variant (2).
Genome position (GRCh38, 1-based): chr11:108,321,371, A duplicated. VCF-style (leftmost placement, unchanged base first): chr11-108321370-C-CA. GRCh37 (hg19) VCF-style: chr11-108192097-C-CA.
Other names: c.6523dup, p.Arg2175fs (NM_001351834.2); c.641-12300dup (NM_001330368.2); c.*39-12300dup (NM_001351110.2); c.6523dupA (NM_000051.3); short protein forms R2175fs.
Identifiers: ClinVar variation 642996 (VCV000642996.8), dbSNP rs1591107480, ClinGen allele CA915947660.
Genomic context (GRCh38, chr11:108,321,370, plus strand): 5'-AGTGGAAGAGATGTGTAAGCGCAGCCTTGAGTCTGTGTATTCGCTCTATCCCACACTTAG[C>CA]AGGTTGCAGGCCATTGGAGAGCTGGAAAGCATTGGGGAGCTTTTCTCAAGGTATGTAATT-3'

ClinVar aggregate classification (germline): Pathogenic (1 of 4 stars; one submission).

Conditions:
Ataxia-telangiectasia syndrome (AT). Also called: Ataxia-telangiectasia, complementation group D; AT, COMPLEMENTATION GROUP C; ATAXIA-TELANGIECTASIA, COMPLEMENTATION GROUP A; ATAXIA-TELANGIECTASIA, FRESNO VARIANT; Ataxia-telangiectasia; LOUIS-BAR SYNDROME. Identifiers: Orphanet 100, MedGen C0004135, MONDO:0008840, OMIM 208900.

Submission:

Labcorp Genetics (formerly Invitae), Labcorp
Classification: Pathogenic for Ataxia-telangiectasia syndrome. Last evaluated: 2021-08-10. Review status: criteria provided, single submitter. Criteria: Invitae Variant Classification Sherloc (09022015). Collection method: clinical testing. Allele origin: germline.
Comment: Loss-of-function variants in ATM are known to be pathogenic (PMID: 23807571, 25614872). For these reasons, this variant has been classified as Pathogenic. This variant has not been reported in the literature in individuals with ATM-related disease. ClinVar contains an entry for this variant (Variation ID: 642996). This variant is not present in population databases (ExAC no frequency). This sequence change creates a premature translational stop signal (p.Arg2175Lysfs*22) in the ATM gene. It is expected to result in an absent or disrupted protein product.

Literature cited by the submitters: PubMed 23807571; PubMed 25614872.